The following is an entry in ClinVar:

NM_004813.4(PEX16):c.*5C>A

Gene: PEX16 (peroxisomal biogenesis factor 16; minus strand). Cytogenetic location: 11p11.2.
Variant type: single nucleotide variant.
Coding change: c.*5C>A on transcript NM_004813.4 (MANE Select); 5 bases downstream of the stop codon, C replaced by A.
Molecular consequence: 3 prime UTR variant. On other transcripts: intron variant (1).
Genome position (GRCh38, 1-based): chr11:45,910,249, G>T on the plus strand (C>A on the coding strand, the complement: PEX16 is on the minus strand). VCF-style: chr11-45910249-G-T. GRCh37 (hg19) VCF-style: chr11-45931800-G-T.
Other names: c.953-72C>A (NM_057174.3).
Identifiers: ClinVar variation 4683608 (VCV004683608.2).

ClinVar aggregate classification (germline): Benign/Likely benign. Review status: criteria provided, multiple submitters, no conflicts (2 of 4 stars). 2 submissions from 2 submitters: Benign (1); Likely benign (1). Last evaluated 2025-10-01.

Submissions (2):

Mayo Clinic Laboratories, Mayo Clinic
Classification: Benign. Last evaluated: 2025-10-01. Review status: criteria provided, single submitter. Criteria: ACMG Guidelines, 2015. Collection method: clinical testing. Allele origin: germline. Observed: 1 variant allele.
Comment: BA1

Blueprint Genetics
Classification: Likely benign. Last evaluated: 2024-09-16. Review status: criteria provided, single submitter. Criteria: ACMG Guidelines, 2015. Collection method: clinical testing. Allele origin: germline.